The following is an entry in ClinVar:

NM_004586.3(RPS6KA3):c.1044G>A (p.Thr348=)

Gene: RPS6KA3 (ribosomal protein S6 kinase A3; minus strand). Cytogenetic location: Xp22.12.
Variant type: single nucleotide variant.
Coding change: c.1044G>A on transcript NM_004586.3 (MANE Select); coding-DNA position 1044, G replaced by A.
Protein change: p.Thr348=; no amino-acid change (threonine 348 retained).
Molecular consequence: synonymous variant.
Genome position (GRCh38, 1-based): chrX:20,176,308, C>T on the plus strand (G>A on the coding strand, the complement: RPS6KA3 is on the minus strand). VCF-style: chrX-20176308-C-T. GRCh37 (hg19) VCF-style: chrX-20194426-C-T.
Other names: c.960G>A, p.Thr320= (NM_001438340.1).
Identifiers: ClinVar variation 4989896 (VCV004989896.1).

ClinVar aggregate classification (germline): Likely benign (1 of 4 stars; one submission).

Conditions:
RPS6KA3-related disorder. Also called: RPS6KA3-related condition.

gnomAD v4.1: 11 of 1,203,198 alleles (0.00091%); highest among the groups gnomAD compares: Non-Finnish European, 0.0011%; no homozygotes.

Submission:

PreventionGenetics, part of Exact Sciences
Classification: Likely benign for RPS6KA3-related condition. Last evaluated: 2026-06-08. Review status: criteria provided, single submitter. Criteria: ACMG Guidelines, 2015. Collection method: clinical testing. Allele origin: germline.
Comment: This variant is classified as likely benign based on ACMG/AMP sequence variant interpretation guidelines (Richards et al. 2015 PMID: 25741868, with internal and published modifications).